The following is an entry in ClinVar:

ClinVar aggregate classification (germline): Uncertain significance (1 of 4 stars; one submission).

Allele frequency attached by ClinVar (database versions not stated): TOPMed 0.00002; gnomAD exomes 0.00001; gnomAD 0.00001; ExAC 0.00002.
gnomAD v4.1: 10 of 1,614,130 alleles (0.00062%); highest among the groups gnomAD compares: Admixed American, 0.0017%; no homozygotes.

Submission:

Labcorp Genetics (formerly Invitae), Labcorp
Classification: Uncertain significance. Last evaluated: 2025-06-02. Review status: criteria provided, single submitter. Criteria: Invitae Variant Classification Sherloc (09022015). Collection method: clinical testing. Allele origin: germline.
Comment: This sequence change replaces threonine, which is neutral and polar, with isoleucine, which is neutral and non-polar, at codon 627 of the TTBK2 protein (p.Thr627Ile). This variant is present in population databases (rs772352231, gnomAD 0.002%). This variant has not been reported in the literature in individuals affected with TTBK2-related conditions. ClinVar contains an entry for this variant (Variation ID: 3010673). Invitae Evidence Modeling of protein sequence and biophysical properties (such as structural, functional, and spatial information, amino acid conservation, physicochemical variation, residue mobility, and thermodynamic stability) indicates that this missense variant is not expected to disrupt TTBK2 protein function with a negative predictive value of 80%. In summary, the available evidence is currently insufficient to determine the role of this variant in disease. Therefore, it has been classified as a Variant of Uncertain Significance.

NM_173500.4(TTBK2):c.1880C>T (p.Thr627Ile)

Gene: TTBK2 (tau tubulin kinase 2; minus strand). Cytogenetic location: 15q15.2.
Variant type: single nucleotide variant.
Coding change: c.1880C>T on transcript NM_173500.4 (MANE Select); coding-DNA position 1880, C replaced by T.
Protein change: p.Thr627Ile; replaces threonine 627 with isoleucine.
Molecular consequence: missense variant.
Genome position (GRCh38, 1-based): chr15:42,775,253, G>A on the plus strand (C>T on the coding strand, the complement: TTBK2 is on the minus strand). VCF-style: chr15-42775253-G-A. GRCh37 (hg19) VCF-style: chr15-43067451-G-A.
Other names: short protein forms T627I.
Identifiers: ClinVar variation 3010673 (VCV003010673.3), dbSNP rs772352231, ClinGen allele CA7516826.